The following is an entry in ClinVar:

ClinVar aggregate classification (germline): Uncertain significance (1 of 4 stars; one submission).

Submission:

Ambry Genetics
Classification: Uncertain significance. Last evaluated: 2023-07-03. Review status: criteria provided, single submitter. Criteria: Ambry Variant Classification Scheme 2023. Collection method: clinical testing. Allele origin: germline.
Comment: The p.M432K variant (also known as c.1295T>A), located in coding exon 10 of the RECQL gene, results from a T to A substitution at nucleotide position 1295. The methionine at codon 432 is replaced by lysine, an amino acid with similar properties. This amino acid position is conserved. In addition, the in silico prediction for this alteration is inconclusive. Since supporting evidence is limited at this time, the clinical significance of this alteration remains unclear.

NM_002907.4(RECQL):c.1295T>A (p.Met432Lys)

Gene: RECQL (RecQ like helicase; minus strand). Cytogenetic location: 12p12.1.
Variant type: single nucleotide variant.
Coding change: c.1295T>A on transcript NM_002907.4 (MANE Select); coding-DNA position 1295, T replaced by A.
Protein change: p.Met432Lys; replaces methionine 432 with lysine.
Molecular consequence: missense variant.
Genome position (GRCh38, 1-based): chr12:21,474,901, A>T on the plus strand (T>A on the coding strand, the complement: RECQL is on the minus strand). VCF-style: chr12-21474901-A-T. GRCh37 (hg19) VCF-style: chr12-21627835-A-T.
Other names: c.1295T>A, p.Met432Lys (NM_032941.3); short protein forms M432K.
Identifiers: ClinVar variation 2586000 (VCV002586000.2), dbSNP rs954634416, ClinGen allele CA384118445.
Genomic context (GRCh38, chr12:21,474,901, plus strand): 5'-TTGCTTATGTTTTGACAGTATGATACCATCTCATAAAGCTTCTGCTGTCCCACATTTTCC[A>T]TCACCACCATTGAACTTATTCTGAATATATCTCCAAAGCCGTAGTACAAAATACAGTCTG-3'
Protein context (NP_002898.2, residues 422-442): DIFRISSMVV[Met432Lys]ENVGQQKLYE